The following is an entry in ClinVar:

NM_014476.6(PDLIM3):c.58G>T (p.Gly20Cys)

Gene: PDLIM3 (PDZ and LIM domain 3; minus strand). Cytogenetic location: 4q35.1.
Variant type: single nucleotide variant.
Coding change: c.58G>T on transcript NM_014476.6 (MANE Select); coding-DNA position 58, G replaced by T.
Protein change: p.Gly20Cys; replaces glycine 20 with cysteine.
Molecular consequence: missense variant. On other transcripts: non-coding transcript variant (1).
Genome position (GRCh38, 1-based): chr4:185,535,377, C>A on the plus strand (G>T on the coding strand, the complement: PDLIM3 is on the minus strand). VCF-style: chr4-185535377-C-A. GRCh37 (hg19) VCF-style: chr4-186456531-C-A.
Other names: c.58G>T, p.Gly20Cys (NM_001114107.5, NM_001257962.2, NM_001257963.2); short protein forms G20C.
Identifiers: ClinVar variation 954733 (VCV000954733.10), dbSNP rs1305441463, ClinGen allele CA358932570.

ClinVar aggregate classification (germline): Uncertain significance (1 of 4 stars; one submission).

Conditions:
Hypertrophic cardiomyopathy. Also called: HYPERTROPHIC MYOCARDIOPATHY. Identifiers: Orphanet 217569, MedGen C0007194, MeSH D002312, MONDO:0005045, HP:0001639.
Primary dilated cardiomyopathy (DCM). Also called: Dilated Cardiomyopathy. Identifiers: Orphanet 217604, MedGen C0007193, MeSH D002311, MONDO:0005021, HP:0001644. Inheritance: Various modes of inheritance.

gnomAD v4.1: 1 of 1,608,486 alleles (0.000062%); highest among the groups gnomAD compares: Non-Finnish European, 0.000085%; no homozygotes.

Submission:

Labcorp Genetics (formerly Invitae), Labcorp
Classification: Uncertain significance for Hypertrophic cardiomyopathy; Primary dilated cardiomyopathy. Last evaluated: 2019-10-26. Review status: criteria provided, single submitter. Criteria: Invitae Variant Classification Sherloc (09022015). Collection method: clinical testing. Allele origin: germline.
Comment: This variant is not present in population databases (ExAC no frequency). This variant has not been reported in the literature in individuals with PDLIM3-related conditions. Algorithms developed to predict the effect of missense changes on protein structure and function (SIFT, PolyPhen-2, Align-GVGD) all suggest that this variant is likely to be disruptive, but these predictions have not been confirmed by published functional studies and their clinical significance is uncertain. In summary, the available evidence is currently insufficient to determine the role of this variant in disease. Therefore, it has been classified as a Variant of Uncertain Significance. This sequence change replaces glycine with cysteine at codon 20 of the PDLIM3 protein (p.Gly20Cys). The glycine residue is highly conserved and there is a large physicochemical difference between glycine and cysteine.